The following is an entry in ClinVar:

NM_018451.5(CPAP):c.3362G>C (p.Gly1121Ala)

Genes: CPAP (centrosome assembly and centriole elongation protein; minus strand), RNF17 (ring finger protein 17; plus strand). Cytogenetic location: 13q12.12.
Variant type: single nucleotide variant.
Coding change: c.3362G>C on transcript NM_018451.5 (MANE Select); coding-DNA position 3362, G replaced by C.
Protein change: p.Gly1121Ala; replaces glycine 1121 with alanine.
Molecular consequence: missense variant. On other transcripts: non-coding transcript variant (2).
Genome position (GRCh38, 1-based): chr13:24,885,610, C>G on the plus strand (G>C on the coding strand, the complement: CPAP is on the minus strand). VCF-style: chr13-24885610-C-G. GRCh37 (hg19) VCF-style: chr13-25459748-C-G.
Other names: short protein forms G1121A.
Identifiers: ClinVar variation 2008359 (VCV002008359.4), dbSNP rs1953985931, ClinGen allele CA387577767.
Genomic context (GRCh38, chr13:24,885,610, plus strand): 5'-TTGATTTCAAGCCTAAGTAATGTATGTTTGAAGAATATATAAAAACAGAGATTTACTTGT[C>G]CCTTATCCAAATTGCCTAAATCACGAGGAGGTGCAGACTTGGATCTTCGAGGTGGATTGC-3'
Protein context (NP_060921.3, residues 1111-1131): PPRDLGNLDK[Gly1121Ala]QAASPREPLE

ClinVar aggregate classification (germline): Uncertain significance (1 of 4 stars; one submission).

Allele frequency attached by ClinVar (database versions not stated): TOPMed below 0.00001; gnomAD 0.00001.
gnomAD v4.1: 1 of 1,605,478 alleles (0.000062%); highest among the groups gnomAD compares: Non-Finnish European, 0.000085%; no homozygotes.

Submission:

Labcorp Genetics (formerly Invitae), Labcorp
Classification: Uncertain significance. Last evaluated: 2024-07-15. Review status: criteria provided, single submitter. Criteria: Invitae Variant Classification Sherloc (09022015). Collection method: clinical testing. Allele origin: germline.
Comment: This sequence change replaces glycine, which is neutral and non-polar, with alanine, which is neutral and non-polar, at codon 1121 of the CENPJ protein (p.Gly1121Ala). This variant is not present in population databases (gnomAD no frequency). This variant has not been reported in the literature in individuals affected with CENPJ-related conditions. ClinVar contains an entry for this variant (Variation ID: 2008359). Advanced modeling of protein sequence and biophysical properties (such as structural, functional, and spatial information, amino acid conservation, physicochemical variation, residue mobility, and thermodynamic stability) performed at Invitae indicates that this missense variant is not expected to disrupt CENPJ protein function with a negative predictive value of 80%. In summary, the available evidence is currently insufficient to determine the role of this variant in disease. Therefore, it has been classified as a Variant of Uncertain Significance.